The following is an entry in ClinVar:

ClinVar aggregate classification (germline): Likely pathogenic (1 of 4 stars; one submission).

Conditions:
Nemaline myopathy 2 (NEM2). Also called: Nemaline myopathy 2, autosomal recessive. Identifiers: MedGen C1850569, MONDO:0009725, OMIM 256030.

Submission:

Labcorp Genetics (formerly Invitae), Labcorp
Classification: Likely pathogenic for Nemaline myopathy 2. Last evaluated: 2021-09-08. Review status: criteria provided, single submitter. Criteria: Invitae Variant Classification Sherloc (09022015). Collection method: clinical testing. Allele origin: germline.
Comment: This sequence change affects an acceptor splice site in intron 165 of the NEB gene. It is expected to disrupt RNA splicing. Variants that disrupt the donor or acceptor splice site typically lead to a loss of protein function (PMID: 16199547), and loss-of-function variants in NEB are known to be pathogenic (PMID: 25205138). This variant is not present in population databases (ExAC no frequency). This variant has not been reported in the literature in individuals affected with NEB-related conditions. Algorithms developed to predict the effect of sequence changes on RNA splicing suggest that this variant may disrupt the consensus splice site. In summary, the currently available evidence indicates that the variant is pathogenic, but additional data are needed to prove that conclusively. Therefore, this variant has been classified as Likely Pathogenic.

Literature cited by the submitters: PubMed 16199547; PubMed 25205138.

NM_001164508.2(NEB):c.23650-1G>A

Genes: NEB (nebulin; minus strand), RIF1 (replication timing regulatory factor 1; plus strand). Cytogenetic location: 2q23.3.
Variant type: single nucleotide variant.
Coding change: c.23650-1G>A on transcript NM_001164508.2 (MANE Select); the canonical splice acceptor site of the intron before coding-DNA position 23650, G replaced by A.
Molecular consequence: splice acceptor variant.
Genome position (GRCh38, 1-based): chr2:151,505,571, C>T on the plus strand (G>A on the coding strand, the complement: NEB is on the minus strand). VCF-style: chr2-151505571-C-T. GRCh37 (hg19) VCF-style: chr2-152362085-C-T.
Other names: c.18547-1G>A (NM_004543.5); c.23650-1G>A (NM_001164507.2); c.23755-1G>A (NM_001271208.2).
Identifiers: ClinVar variation 1510708 (VCV001510708.7), dbSNP rs2153172016, ClinGen allele CA348783501.